The following is an entry in ClinVar:

NM_017780.4(CHD7):c.3149_3156delinsGTC (p.Gln1050fs)

Gene: CHD7 (chromodomain helicase DNA binding protein 7; plus strand). Cytogenetic location: 8q12.2.
Variant type: Indel.
Coding change: c.3149_3156delinsGTC on transcript NM_017780.4 (MANE Select); coding-DNA positions 3149 to 3156, AAGCTAGT replaced by GTC.
Protein change: p.Gln1050fs; shifts the reading frame from glutamine 1050.
Molecular consequence: frameshift variant. On other transcripts: intron variant (1).
Genome position (GRCh38, 1-based): chr8:60,822,694-60,822,701, AAGCTAGT replaced by GTC. VCF-style: chr8-60822694-AAGCTAGT-GTC. GRCh37 (hg19) VCF-style: chr8-61735253-AAGCTAGT-GTC.
Other names: c.1717-39535_1717-39528delinsGTC (NM_001316690.1); short protein forms Q1050fs.
Identifiers: ClinVar variation 2633985 (VCV002633985.1), dbSNP rs2487812403, ClinGen allele CA2695201473.

ClinVar aggregate classification (germline): Likely pathogenic (1 of 4 stars; one submission).

Conditions:
CHD7-related disorder. Also called: CHD7-related condition.

Submission:

PreventionGenetics, part of Exact Sciences
Classification: Likely pathogenic for CHD7-related condition. Last evaluated: 2023-09-28. Review status: criteria provided, single submitter. Criteria: ACMG Guidelines, 2015. Collection method: clinical testing. Allele origin: germline.
Comment: The CHD7 c.3149_3156delinsGTC variant is predicted to result in a frameshift and premature protein termination (p.Gln1050Argfs*9). To our knowledge, this variant has not been reported in the literature or in a large population database, indicating this variant is rare. Frameshift variants in CHD7 are expected to be pathogenic. This variant is interpreted as likely pathogenic.